The following is an entry in ClinVar:

NM_001605.3(AARS1):c.1861G>A (p.Glu621Lys)

Gene: AARS1 (alanyl-tRNA synthetase 1; minus strand). Cytogenetic location: 16q22.1.
Variant type: single nucleotide variant.
Coding change: c.1861G>A on transcript NM_001605.3 (MANE Select); coding-DNA position 1861, G replaced by A.
Protein change: p.Glu621Lys; replaces glutamic acid 621 with lysine.
Molecular consequence: missense variant.
Genome position (GRCh38, 1-based): chr16:70,259,111, C>T on the plus strand (G>A on the coding strand, the complement: AARS1 is on the minus strand). VCF-style: chr16-70259111-C-T. GRCh37 (hg19) VCF-style: chr16-70293014-C-T.
Other names: short protein forms E621K.
Identifiers: ClinVar variation 3020224 (VCV003020224.3), dbSNP rs1960070484, ClinGen allele CA396558187.

ClinVar aggregate classification (germline): Uncertain significance (1 of 4 stars; one submission).

Conditions:
Charcot-Marie-Tooth disease type 2. Also called: Charcot-Marie-Tooth type 2. Identifiers: Orphanet 64746, MedGen C0270914, MONDO:0018993.

Submission:

Labcorp Genetics (formerly Invitae), Labcorp
Classification: Uncertain significance for Charcot-Marie-Tooth disease type 2. Last evaluated: 2023-08-10. Review status: criteria provided, single submitter. Criteria: Invitae Variant Classification Sherloc (09022015). Collection method: clinical testing. Allele origin: germline.
Comment: In summary, the available evidence is currently insufficient to determine the role of this variant in disease. Therefore, it has been classified as a Variant of Uncertain Significance. Advanced modeling of protein sequence and biophysical properties (such as structural, functional, and spatial information, amino acid conservation, physicochemical variation, residue mobility, and thermodynamic stability) performed at Invitae indicates that this missense variant is not expected to disrupt AARS protein function. This variant has not been reported in the literature in individuals affected with AARS-related conditions. This variant is not present in population databases (gnomAD no frequency). This sequence change replaces glutamic acid, which is acidic and polar, with lysine, which is basic and polar, at codon 621 of the AARS protein (p.Glu621Lys).